The following is an entry in ClinVar:

NM_014520.4(MYBBP1A):c.3579G>C (p.Glu1193Asp)

Gene: MYBBP1A (MYB binding protein 1a; minus strand). Cytogenetic location: 17p13.2.
Variant type: single nucleotide variant.
Coding change: c.3579G>C on transcript NM_014520.4 (MANE Select); coding-DNA position 3579, G replaced by C.
Protein change: p.Glu1193Asp; replaces glutamic acid 1193 with aspartic acid.
Molecular consequence: missense variant.
Genome position (GRCh38, 1-based): chr17:4,539,823, C>G on the plus strand (G>C on the coding strand, the complement: MYBBP1A is on the minus strand). VCF-style: chr17-4539823-C-G. GRCh37 (hg19) VCF-style: chr17-4443118-C-G.
Other names: c.3579G>C, p.Glu1193Asp (NM_001105538.2); short protein forms E1193D.
Identifiers: ClinVar variation 3348970 (VCV003348970.1).

ClinVar aggregate classification (germline): Uncertain significance (0 of 4 stars; one submission).

Conditions:
MYBBP1A-related condition.

Submission:

PreventionGenetics, part of Exact Sciences
Classification: Uncertain significance for MYBBP1A-related condition. Last evaluated: 2024-04-12. Review status: no assertion criteria provided. Collection method: clinical testing. Allele origin: germline.
Comment: The MYBBP1A c.3579G>C variant is predicted to result in the amino acid substitution p.Glu1193Asp. To our knowledge, this variant has not been reported in the literature or in a large population database, indicating this variant is rare. At this time, the clinical significance of this variant is uncertain due to the absence of conclusive functional and genetic evidence.